The following is an entry in ClinVar:

NM_015338.6(ASXL1):c.1907C>T (p.Ala636Val)

Gene: ASXL1 (ASXL transcriptional regulator 1; plus strand). Cytogenetic location: 20q11.21.
Variant type: single nucleotide variant.
Coding change: c.1907C>T on transcript NM_015338.6 (MANE Select); coding-DNA position 1907, C replaced by T.
Protein change: p.Ala636Val; replaces alanine 636 with valine.
Molecular consequence: missense variant.
Genome position (GRCh38, 1-based): chr20:32,434,619, C>T. VCF-style: chr20-32434619-C-T. GRCh37 (hg19) VCF-style: chr20-31022422-C-T.
Other names: c.1724C>T, p.Ala575Val (NM_001363734.1); short protein forms A575V, A636V.
Identifiers: ClinVar variation 1174746 (VCV001174746.18), dbSNP rs370230857, ClinGen allele CA9808481.
Genomic context (GRCh38, chr20:32,434,619, plus strand): 5'-ACATTAAAGCCCGTGCTCTGCAGGTCCGAGGGGCGAGAGGTCACCACTGCCATAGAGAGG[C>T]GGCCACCACTGCCATCGGAGGGGGGGGTGGCCCGGGTGGAGGTGGCGGCGGGGCCACCGA-3'
Protein context (NP_056153.2, residues 626-646): GARGHHCHRE[Ala636Val]ATTAIGGGGG

ClinVar aggregate classification (germline): Benign/Likely benign. Review status: criteria provided, multiple submitters, no conflicts (2 of 4 stars). 5 submissions from 5 submitters: Benign (1); Likely benign (2). 2 of the submissions do not count toward it. Last evaluated 2025-12-01.

Allele frequency attached by ClinVar (database versions not stated): gnomAD 0.00007; TOPMed 0.00007; ESP Exome Variant Server 0.00008; gnomAD exomes 0.00009; ExAC 0.00011.
gnomAD v4.1: 167 of 1,609,666 alleles (0.01%); highest among the groups gnomAD compares: Middle Eastern, 0.016%; no homozygotes.

Submissions (5):

CeGaT Center for Human Genetics Tuebingen
Classification: Likely benign. Last evaluated: 2025-12-01. Review status: criteria provided, single submitter. Criteria: CeGaT Center For Human Genetics Tuebingen Variant Classification Criteria Version 2. Collection method: clinical testing. Allele origin: germline. Affected: yes. Observed: 1 variant allele.
Comment: ASXL1: BP4, BS2

Labcorp Genetics (formerly Invitae), Labcorp
Classification: Benign. Last evaluated: 2025-10-27. Review status: criteria provided, single submitter. Criteria: Invitae Variant Classification Sherloc (09022015). Collection method: clinical testing. Allele origin: germline.

Blueprint Genetics
Classification: Likely benign. Last evaluated: 2022-06-01. Review status: criteria provided, single submitter. Criteria: ACMG Guidelines, 2015. Collection method: clinical testing. Allele origin: germline.

Diagnostic Laboratory, Department of Genetics, University Medical Center Groningen
Classification: Likely benign. Review status: no assertion criteria provided. Collection method: clinical testing. Allele origin: germline. Affected: yes. Study: VKGL Data-share Consensus. Not counted in ClinVar's aggregate classification.

Laboratory of Diagnostic Genome Analysis, Leiden University Medical Center (LUMC)
Classification: Likely benign. Review status: no assertion criteria provided. Collection method: clinical testing. Allele origin: germline. Affected: yes. Study: VKGL Data-share Consensus. Not counted in ClinVar's aggregate classification.